The following is an entry in ClinVar:

ClinVar aggregate classification (germline): Pathogenic/Likely pathogenic. Review status: criteria provided, multiple submitters, no conflicts (2 of 4 stars). 5 submissions from 5 submitters: Pathogenic (2); Likely pathogenic (2). 1 of the submissions does not count toward it. Last evaluated 2024-01-17.

Conditions:
CFAP410-related disorder. Also called: CFAP410-related condition.
Retinal dystrophy with or without macular staphyloma. Identifiers: Orphanet 653709, MedGen C4479651, MONDO:0060507, OMIM 617547.
Retinal dystrophy. Also called: Inherited retinal dystrophy. Identifiers: Orphanet 71862, MedGen C0854723, MeSH D058499, MONDO:0019118, HP:0000556.

Submissions (5):

Ocular Genomics Institute, Massachusetts Eye and Ear
Classification: Pathogenic for Retinal dystrophy with or without macular staphyloma. Last evaluated: 2024-01-17. Review status: criteria provided, single submitter. Criteria: ACMG Guidelines, 2015. Collection method: research. Allele origin: germline. Affected: yes. Observed: 1 variant allele.

Labcorp Genetics (formerly Invitae), Labcorp
Classification: Pathogenic. Last evaluated: 2024-01-01. Review status: criteria provided, single submitter. Criteria: Invitae Variant Classification Sherloc (09022015). Collection method: clinical testing. Allele origin: germline.
Comment: This sequence change creates a premature translational stop signal (p.Glu148Alafs*13) in the CFAP410 gene. It is expected to result in an absent or disrupted protein product. Loss-of-function variants in CFAP410 are known to be pathogenic (PMID: 23105016, 26167768). This variant is present in population databases (rs756970705, gnomAD 0.003%). This variant has not been reported in the literature in individuals affected with CFAP410-related conditions. For these reasons, this variant has been classified as Pathogenic.

Broad Center for Mendelian Genomics, Broad Institute of MIT and Harvard
Classification: Likely pathogenic for Retinal dystrophy with or without macular staphyloma. Last evaluated: 2023-05-02. Review status: criteria provided, single submitter. Criteria: ACMG Guidelines, 2015. Collection method: curation. Allele origin: germline. Inheritance: Autosomal recessive inheritance.
Comment: The p.Glu148AlafsTer13 variant in CFAP410 has not been previously reported in individuals with retinal dystrophy with or without macular staphyloma but has been identified in 0.006% (4/68028) of European (non-Finnish) chromosomes by the Genome Aggregation Database (gnomAD; dbSNP ID: rs756970705). Although this variant has been seen in the general population in a heterozygous state, its frequency is low enough to be consistent with a recessive carrier frequency. This variant has also been reported in ClinVar (Variation ID: 1368519) and has been interpreted as pathogenic by Invitae. This variant is predicted to cause a frameshift, which alters the protein‚Äôs amino acid sequence beginning at position 148 and leads to a premature termination codon 13 amino acids downstream. This alteration is then predicted to lead to a truncated or absent protein. Loss of function of the CFAP10 gene is an established disease mechanism in autosomal recessive retinal dystrophy with or without macular staphyloma. In summary, although additional studies are required to fully establish its clinical significance, this variant is likely pathogenic for autosomal recessive retinal dystrophy with or without macular staphyloma. ACMG/AMP Criteria applied: PVS1, PM2_Supporting (Richards 2015).

Blueprint Genetics
Classification: Likely pathogenic for CFAP410-related disorders. Last evaluated: 2021-05-06. Review status: criteria provided, single submitter. Criteria: ACMG Guidelines, 2015. Collection method: clinical testing. Allele origin: germline. Affected: yes. Observed: 1 variant allele.

Institute of Human Genetics, Univ. Regensburg, Univ. Regensburg
Classification: Likely pathogenic for Retinal dystrophy. Last evaluated: 2020-01-01. Review status: no assertion criteria provided. Criteria: ACMG Guidelines, 2015. Collection method: clinical testing. Allele origin: germline. Affected: yes. Not counted in ClinVar's aggregate classification.

Literature cited by the submitters: PubMed 23105016 (cited by Labcorp Genetics (formerly Invitae), Labcorp); PubMed 26167768 (cited by Labcorp Genetics (formerly Invitae), Labcorp).

NM_004928.3(CFAP410):c.441_444del (p.Glu148fs)

Gene: CFAP410 (cilia and flagella associated protein 410; minus strand). Cytogenetic location: 21q22.3.
Variant type: Microsatellite.
Coding change: c.441_444del on transcript NM_004928.3 (MANE Select); coding-DNA positions 441 to 444, 4 bases deleted (AGAG; older notation c.441_444delAGAG).
Protein change: p.Glu148fs; shifts the reading frame from glutamic acid 148.
Molecular consequence: frameshift variant.
Genome position (GRCh38, 1-based): chr21:44,331,944-44,331,947, CTCT deleted on the plus strand (AGAG on the coding strand, the reverse complement: CFAP410 is on the minus strand); deleting any 4 consecutive bases within chr21:44,331,944-44,331,953 gives the same sequence; the c. name uses the placement nearest the transcript's 3' end. VCF-style (leftmost placement, unchanged base first): chr21-44331943-CCTCT-C. GRCh37 (hg19) VCF-style: chr21-45751826-CCTCT-C.
Other names: NM_004928.3(CFAP410):c.441_444del; p.Glu148fs; c.441_444del, p.Glu148fs (NM_001271440.2, NM_001271441.2); c.318_321del, p.Glu107fs (NM_001271442.1); short protein forms E107fs, E148fs.
Identifiers: ClinVar variation 1368519 (VCV001368519.9), dbSNP rs756970705, ClinGen allele CA10053670.